The following is an entry in ClinVar:

NM_004958.4(MTOR):c.7447+27C>A

Gene: MTOR (mechanistic target of rapamycin kinase; minus strand). Cytogenetic location: 1p36.22.
Variant type: single nucleotide variant.
Coding change: c.7447+27C>A on transcript NM_004958.4 (MANE Select); 27 bases into the intron after coding-DNA position 7447, C replaced by A.
Molecular consequence: intron variant.
Genome position (GRCh38, 1-based): chr1:11,109,622, G>T on the plus strand (C>A on the coding strand, the complement: MTOR is on the minus strand). VCF-style: chr1-11109622-G-T. GRCh37 (hg19) VCF-style: chr1-11169679-G-T.
Other names: NM_004958.3:c.7447+27C>A; c.6199+27C>A (NM_001386501.1); c.7447+27C>A (NM_001386500.1).
Identifiers: ClinVar variation 1296984 (VCV001296984.4), dbSNP rs369718641, ClinGen allele CA588827.

ClinVar aggregate classification (germline): Likely benign (3 of 4 stars; one submission).

Conditions:
Overgrowth syndrome and/or cerebral malformations due to abnormalities in MTOR pathway genes. Identifiers: MedGen CN300503, MONDO:0100283.

Allele frequency attached by ClinVar (database versions not stated): gnomAD 0.00001; gnomAD exomes 0.00001; ExAC 0.00002; TOPMed 0.00002; ESP Exome Variant Server 0.00015.

Submission:

ClinGen Brain Malformations Variant Curation Expert Panel
Classification: Likely benign for Overgrowth syndrome and/or cerebral malformations due to abnormalities in MTOR pathway genes. Last evaluated: 2022-02-17. Review status: reviewed by expert panel. Criteria: ClinGen BrainMalform ACMG Specifications v1. Collection method: curation. Allele origin: germline. Inheritance: Autosomal dominant inheritance.
Comment: This NM_004958.4(MTOR): c.7447+27C>A (p.=) variant is a synonymous (silent) variant that occurs at a nucleotide that is not conserved according to a PhyloP <0.1 (BP7). The results from in silico splicing predictors MaxEntScan, spliceAI and varSEAK support that this variant does not affect splicing (BP4). In summary, this variant meets the criteria to be classified as Likely benign for mosaic autosomal dominant overgrowth with or without cerebral malformations due to abnormalities in MTOR-pathway genes based on the ACMG/AMP criteria applied, as specified by the ClinGen Brain Malformations Expert Panel: BP7, BP4; -2 points (VCEP specifications version 1; Approved: 1/31/2021)